The following is an entry in ClinVar:

NM_006767.4(LZTR1):c.1930C>A (p.Pro644Thr)

Gene: LZTR1 (leucine zipper like post translational regulator 1; plus strand). Cytogenetic location: 22q11.21.
Variant type: single nucleotide variant.
Coding change: c.1930C>A on transcript NM_006767.4 (MANE Select); coding-DNA position 1930, C replaced by A.
Protein change: p.Pro644Thr; replaces proline 644 with threonine.
Molecular consequence: missense variant.
Genome position (GRCh38, 1-based): chr22:20,995,014, C>A. VCF-style: chr22-20995014-C-A. GRCh37 (hg19) VCF-style: chr22-21349303-C-A.
Other names: short protein forms P644T.
Identifiers: ClinVar variation 1782879 (VCV001782879.5), dbSNP rs1569157562, ClinGen allele CA410778750.
Genomic context (GRCh38, chr22:20,995,014, plus strand): 5'-CTGATAGTGGAGATTGTGCGGCGGAAGCAGCAGCCGCCCCCTCGCACTCCCTTGGACCAG[C>A]CAGTGGACATTGGTAGGGAGCCCCGTTCCCCTTCCCTGGGGGCTGGGAGGGATGGTGTTC-3'
Protein context (NP_006758.2, residues 634-654): QPPPRTPLDQ[Pro644Thr]VDIGTSLIQD

ClinVar aggregate classification (germline): Uncertain significance. Review status: criteria provided, multiple submitters, no conflicts (2 of 4 stars). 2 submissions from 2 submitters: Uncertain significance (2). Last evaluated 2025-11-01.

Conditions:
Hereditary cancer-predisposing syndrome. Also called: Neoplastic Syndromes, Hereditary; Tumor predisposition; Hereditary Cancer Syndrome; Hereditary neoplastic syndrome. Identifiers: Orphanet 140162, MedGen C0027672, MeSH D009386, MONDO:0015356.
Cardiovascular phenotype. Identifiers: MedGen CN230736.

Submissions (2):

Labcorp Genetics (formerly Invitae), Labcorp
Classification: Uncertain significance. Last evaluated: 2025-11-01. Review status: criteria provided, single submitter. Criteria: Invitae Variant Classification Sherloc (09022015). Collection method: clinical testing. Allele origin: germline.
Comment: This sequence change replaces proline, which is neutral and non-polar, with threonine, which is neutral and polar, at codon 644 of the LZTR1 protein (p.Pro644Thr). This variant is not present in population databases (gnomAD no frequency). This variant has not been reported in the literature in individuals affected with LZTR1-related conditions. ClinVar contains an entry for this variant (Variation ID: 1782879). Invitae Evidence Modeling of protein sequence and biophysical properties (such as structural, functional, and spatial information, amino acid conservation, physicochemical variation, residue mobility, and thermodynamic stability) indicates that this missense variant is not expected to disrupt LZTR1 protein function with a negative predictive value of 80%. In summary, the available evidence is currently insufficient to determine the role of this variant in disease. Therefore, it has been classified as a Variant of Uncertain Significance.

Ambry Genetics
Classification: Uncertain significance for Cardiovascular phenotype; Hereditary cancer-predisposing syndrome. Last evaluated: 2022-05-09. Review status: criteria provided, single submitter. Criteria: Ambry Variant Classification Scheme 2023. Collection method: clinical testing. Allele origin: germline.
Comment: The p.P644T variant (also known as c.1930C>A), located in coding exon 16 of the LZTR1 gene, results from a C to A substitution at nucleotide position 1930. The proline at codon 644 is replaced by threonine, an amino acid with highly similar properties. This amino acid position is conserved. In addition, the in silico prediction for this alteration is inconclusive. Since supporting evidence is limited at this time, the clinical significance of this alteration remains unclear.